The following is an entry in ClinVar:

NM_001033561.2(PHF12):c.2359+189T>C

Gene: PHF12 (PHD finger protein 12; minus strand). Cytogenetic location: 17q11.2.
Variant type: single nucleotide variant.
Coding change: c.2359+189T>C on transcript NM_001033561.2 (MANE Select); 189 bases into the intron after coding-DNA position 2359, T replaced by C.
Molecular consequence: intron variant. On other transcripts: stop lost (1).
Genome position (GRCh38, 1-based): chr17:28,910,037, A>G on the plus strand (T>C on the coding strand, the complement: PHF12 is on the minus strand). VCF-style: chr17-28910037-A-G. GRCh37 (hg19) VCF-style: chr17-27237055-A-G.
Other names: c.2548T>C, p.Ter850Arg (NM_001290131.2).
Identifiers: ClinVar variation 4983783 (VCV004983783.1).

ClinVar aggregate classification (germline): Uncertain significance (1 of 4 stars; one submission).

Conditions:
PHF12-related disorder. Also called: PHF12-related condition.

Submission:

PreventionGenetics, part of Exact Sciences
Classification: Uncertain significance for PHF12-related condition. Last evaluated: 2026-04-16. Review status: criteria provided, single submitter. Criteria: ACMG Guidelines, 2015. Collection method: clinical testing. Allele origin: germline.
Comment: The PHF12 c.2548T>C variant is predicted to result in extension of the open reading frame (p.*850Argext*14). To our knowledge, this variant has not been reported in the literature or in a large population database (gnomAD), indicating this variant is rare. At this time, the clinical significance of this variant is uncertain due to the absence of conclusive functional and genetic evidence.